The following is an entry in ClinVar:

ClinVar aggregate classification (germline): Uncertain significance. Review status: criteria provided, multiple submitters, no conflicts (2 of 4 stars). 2 submissions from 2 submitters: Uncertain significance (2). Last evaluated 2025-06-04.

Conditions:
Inborn genetic diseases. Identifiers: MedGen C0950123, MeSH D030342.
Epilepsy, X-linked 1, with variable learning disabilities and behavior disorders. Also called: X-linked epilepsy-learning disabilities-behavior disorders syndrome. Identifiers: Orphanet 85294, MedGen C5774177, MONDO:0010339, OMIM 300491.

gnomAD v4.1: 3 of 1,088,312 alleles (0.00028%); highest among the groups gnomAD compares: East Asian, 0.0033%; no homozygotes.

Submissions (2):

Labcorp Genetics (formerly Invitae), Labcorp
Classification: Uncertain significance for Epilepsy, X-linked 1, with variable learning disabilities and behavior disorders. Last evaluated: 2025-06-04. Review status: criteria provided, single submitter. Criteria: Invitae Variant Classification Sherloc (09022015). Collection method: clinical testing. Allele origin: germline.
Comment: This sequence change replaces proline, which is neutral and non-polar, with threonine, which is neutral and polar, at codon 479 of the SYN1 protein (p.Pro479Thr). The frequency data for this variant in the population databases is considered unreliable, as metrics indicate poor data quality at this position in the gnomAD database. This variant has not been reported in the literature in individuals affected with SYN1-related conditions. ClinVar contains an entry for this variant (Variation ID: 2721534). Experimental studies and prediction algorithms are not available or were not evaluated, and the functional significance of this variant is currently unknown. In summary, the available evidence is currently insufficient to determine the role of this variant in disease. Therefore, it has been classified as a Variant of Uncertain Significance.

Ambry Genetics
Classification: Uncertain significance for Inborn genetic diseases. Last evaluated: 2024-11-29. Review status: criteria provided, single submitter. Criteria: Ambry Variant Classification Scheme 2023. Collection method: clinical testing. Allele origin: germline.

NM_006950.3(SYN1):c.1435C>A (p.Pro479Thr)

Gene: SYN1 (synapsin I; minus strand). Cytogenetic location: Xp11.3.
Variant type: single nucleotide variant.
Coding change: c.1435C>A on transcript NM_006950.3 (MANE Select); coding-DNA position 1435, C replaced by A.
Protein change: p.Pro479Thr; replaces proline 479 with threonine.
Molecular consequence: missense variant.
Genome position (GRCh38, 1-based): chrX:47,574,549, G>T on the plus strand (C>A on the coding strand, the complement: SYN1 is on the minus strand). VCF-style: chrX-47574549-G-T. GRCh37 (hg19) VCF-style: chrX-47433948-G-T.
Other names: c.1435C>A, p.Pro479Thr (NM_133499.2); short protein forms P479T.
Identifiers: ClinVar variation 2721534 (VCV002721534.4), dbSNP rs1161948424, ClinGen allele CA412824042.